The following is an entry in ClinVar:

NM_017617.5(NOTCH1):c.4444A>G (p.Asn1482Asp)

Gene: NOTCH1 (notch receptor 1; minus strand). Cytogenetic location: 9q34.3.
Variant type: single nucleotide variant.
Coding change: c.4444A>G on transcript NM_017617.5 (MANE Select); coding-DNA position 4444, A replaced by G.
Protein change: p.Asn1482Asp; replaces asparagine 1482 with aspartic acid.
Molecular consequence: missense variant.
Genome position (GRCh38, 1-based): chr9:136,505,452, T>C on the plus strand (A>G on the coding strand, the complement: NOTCH1 is on the minus strand). VCF-style: chr9-136505452-T-C. GRCh37 (hg19) VCF-style: chr9-139399904-T-C.
Other names: c.4444A>G (NM_017617.4); short protein forms N1482D.
Identifiers: ClinVar variation 1056311 (VCV001056311.7), dbSNP rs1843065776, ClinGen allele CA375647521.
Genomic context (GRCh38, chr9:136,505,452, plus strand): 5'-CACTGAAGTACTTCCAGCACTGCAGAGACTGCGTGCAGTTCTTCCAGGGGTCATTGAAGT[T>C]GAGGGAGCAGTCACCGCCGTCCCAGCCGCACGCGTGGTTGTTGCACTGCAGGCTGCAGAC-3'
Protein context (NP_060087.3, residues 1472-1492): CGWDGGDCSL[Asn1482Asp]FNDPWKNCTQ

ClinVar aggregate classification (germline): Uncertain significance. Review status: criteria provided, multiple submitters, no conflicts (2 of 4 stars). 2 submissions from 2 submitters: Uncertain significance (2). Last evaluated 2023-03-30.

Conditions:
NOTCH1-related disorder. Also called: NOTCH1-related condition; NOTCH1-related disorders.
Adams-Oliver syndrome 5 (AOS5). Identifiers: Orphanet 974, MedGen C4014970, MONDO:0014459, OMIM 616028.

Allele frequency attached by ClinVar (database versions not stated): gnomAD exomes below 0.00001; TOPMed below 0.00001.
gnomAD v4.1: 6 of 1,612,840 alleles (0.00037%); highest among the groups gnomAD compares: Non-Finnish European, 0.00042%; no homozygotes.

Submissions (2):

Labcorp Genetics (formerly Invitae), Labcorp
Classification: Uncertain significance for Adams-Oliver syndrome 5. Last evaluated: 2023-03-30. Review status: criteria provided, single submitter. Criteria: Invitae Variant Classification Sherloc (09022015). Collection method: clinical testing. Allele origin: germline.
Comment: This variant is not present in population databases (gnomAD no frequency). This sequence change replaces asparagine, which is neutral and polar, with aspartic acid, which is acidic and polar, at codon 1482 of the NOTCH1 protein (p.Asn1482Asp). This variant has not been reported in the literature in individuals affected with NOTCH1-related conditions. In summary, the available evidence is currently insufficient to determine the role of this variant in disease. Therefore, it has been classified as a Variant of Uncertain Significance. Advanced modeling of protein sequence and biophysical properties (such as structural, functional, and spatial information, amino acid conservation, physicochemical variation, residue mobility, and thermodynamic stability) performed at Invitae indicates that this missense variant is not expected to disrupt NOTCH1 protein function. ClinVar contains an entry for this variant (Variation ID: 1056311).

PreventionGenetics, part of Exact Sciences
Classification: Uncertain significance for NOTCH1-related condition. Last evaluated: 2022-10-10. Review status: criteria provided, single submitter. Criteria: ACMG Guidelines, 2015. Collection method: clinical testing. Allele origin: germline.
Comment: The NOTCH1 c.4444A>G variant is predicted to result in the amino acid substitution p.Asn1482Asp. To our knowledge, this variant has not been reported in the literature or in a large population database, indicating this variant is rare. At this time, the clinical significance of this variant is uncertain due to the absence of conclusive functional and genetic evidence.